The following is an entry in ClinVar:

ClinVar aggregate classification (germline): Pathogenic (1 of 4 stars; one submission).

Conditions:
GNPTAB-mucolipidosis. Also called: UDP-N-acetylglucosamine-1-phosphotransferase subunit alpha/beta deficiency. Identifiers: MedGen CN322573, MONDO:0100122.

Submission:

Myriad Genetics, Inc.
Classification: Pathogenic for GNPTAB-mucolipidosis. Last evaluated: 2025-11-27. Review status: criteria provided, single submitter. Criteria: Myriad Autosomal Dominant, Autosomal Recessive and X-Linked Classification Criteria (2023). Collection method: clinical testing. Allele origin: unknown.
Comment: NM_024312.4(GNPTAB):c.2075_2076delAG(E692Gfs*55) is expected to be pathogenic in the context of GNPTAB-related disorders. This variant is predicted to lead to an abnormal or absent protein product due to the creation of a premature termination codon in GNPTAB, a gene where loss-of-function variants are known to be pathogenic. Please note: this variant was assessed in the context of healthy population screening.

NM_024312.5(GNPTAB):c.2075_2076del (p.Glu692fs)

Gene: GNPTAB (N-acetylglucosamine-1-phosphate transferase subunits alpha and beta; minus strand). Cytogenetic location: 12q23.2.
Variant type: Microsatellite.
Coding change: c.2075_2076del on transcript NM_024312.5 (MANE Select); coding-DNA positions 2075 to 2076, 2 bases deleted (AG; older notation c.2075_2076delAG).
Protein change: p.Glu692fs; shifts the reading frame from glutamic acid 692.
Molecular consequence: frameshift variant.
Genome position (GRCh38, 1-based): chr12:101,764,841-101,764,842, CT deleted on the plus strand (AG on the coding strand, the reverse complement: GNPTAB is on the minus strand); deleting any 2 consecutive bases within chr12:101,764,841-101,764,844 gives the same sequence; the c. name uses the placement nearest the transcript's 3' end. VCF-style (leftmost placement, unchanged base first): chr12-101764840-CCT-C. GRCh37 (hg19) VCF-style: chr12-102158618-CCT-C.
Other names: short protein forms E692fs.
Identifiers: ClinVar variation 5015277 (VCV005015277.1).